The following is an entry in ClinVar:

ClinVar aggregate classification (germline): Uncertain significance. Review status: criteria provided, multiple submitters, no conflicts (2 of 4 stars). 2 submissions from 2 submitters: Uncertain significance (2). Last evaluated 2022-08-02.

Conditions:
Retinitis pigmentosa (RP). Identifiers: Orphanet 791, MedGen C0035334, MeSH D012174, MONDO:0019200, OMIM 268000. Inheritance: Autosomal dominant, autosomal recessive and X linked inheritance.

Submissions (2):

Blueprint Genetics
Classification: Uncertain significance. Last evaluated: 2022-08-02. Review status: criteria provided, single submitter. Criteria: ACMG Guidelines, 2015. Collection method: clinical testing. Allele origin: germline.

Broad Center for Mendelian Genomics, Broad Institute of MIT and Harvard
Classification: Uncertain significance for Retinitis pigmentosa. Last evaluated: 2021-04-01. Review status: criteria provided, single submitter. Criteria: ACMG Guidelines, 2015. Collection method: curation. Allele origin: germline. Inheritance: Autosomal recessive inheritance. Affected: yes.
Comment: Through a review of available evidence we were able to apply the following criteria: PM2, PM4. Based on this evidence we have classified this variant as a Variant of Uncertain Significance. If you have any questions about the classification please reach out to the Pierce Lab.

Literature cited by the submitters: PubMed 34906470 (cited by Broad Center for Mendelian Genomics, Broad Institute of MIT and Harvard).

NM_000329.3(RPE65):c.922_924del (p.Pro308del)

Gene: RPE65 (retinoid isomerohydrolase RPE65; minus strand). Cytogenetic location: 1p31.3.
Variant type: Deletion.
Coding change: c.922_924del on transcript NM_000329.3 (MANE Select); coding-DNA positions 922 to 924, 3 bases deleted (CCT; older notation c.922_924delCCT).
Protein change: p.Pro308del; deletes proline 308.
Molecular consequence: inframe deletion.
Genome position (GRCh38, 1-based): chr1:68,439,016-68,439,018, AGG deleted on the plus strand (CCT on the coding strand, the reverse complement: RPE65 is on the minus strand); deleting any 3 consecutive bases within chr1:68,439,016-68,439,020 gives the same sequence; the c. name uses the placement nearest the transcript's 3' end. VCF-style (leftmost placement, unchanged base first): chr1-68439015-AAGG-A. GRCh37 (hg19) VCF-style: chr1-68904698-AAGG-A.
Other names: short protein forms P308del.
Identifiers: ClinVar variation 1297111 (VCV001297111.3), dbSNP rs756125943, ClinGen allele CA902344.